The following is an entry in ClinVar:

NM_000016.6(ACADM):c.1194+1G>A

Gene: ACADM (acyl-CoA dehydrogenase medium chain; plus strand). Cytogenetic location: 1p31.1.
Variant type: single nucleotide variant.
Coding change: c.1194+1G>A on transcript NM_000016.6 (MANE Select); the canonical splice donor site of the intron after coding-DNA position 1194, G replaced by A.
Molecular consequence: splice donor variant.
Genome position (GRCh38, 1-based): chr1:75,761,371, G>A. VCF-style: chr1-75761371-G-A. GRCh37 (hg19) VCF-style: chr1-76227056-G-A.
Other names: c.1206+1G>A (NM_001127328.3); c.1086+1G>A (NM_001286042.2); c.627+1G>A (NM_001286044.2); c.1293+1G>A (NM_001286043.2); c.1194+1G>A (NM_000016.5).
Identifiers: ClinVar variation 555602 (VCV000555602.16), dbSNP rs769331400, ClinGen allele CA913288.

ClinVar aggregate classification (germline): Pathogenic/Likely pathogenic. Review status: criteria provided, multiple submitters, no conflicts (2 of 4 stars). 6 submissions from 6 submitters: Pathogenic (4); Likely pathogenic (1). 1 of the submissions does not count toward it. Last evaluated 2026-01-09.

Conditions:
Medium-chain acyl-coenzyme A dehydrogenase deficiency (ACADMD). Also called: ACADM DEFICIENCY; CARNITINE DEFICIENCY SECONDARY TO MEDIUM-CHAIN ACYL-CoA DEHYDROGENASE DEFICIENCY; MCADH DEFICIENCY; MCADD; Medium chain acyl-CoA dehydrogenase deficiency; MCAD Deficiency. Identifiers: Orphanet 42, MedGen C0220710, MONDO:0008721, OMIM 201450.

Allele frequency attached by ClinVar (database versions not stated): gnomAD exomes below 0.00001 and 0.00001; gnomAD 0.00001; ExAC 0.00002.
gnomAD v4.1: 4 of 1,613,626 alleles (0.00025%); highest among the groups gnomAD compares: Admixed American, 0.005%; no homozygotes.

Submissions (6):

Natera, Inc.
Classification: Pathogenic for Medium Chain Acyl-CoA Dehydrogenase Deficiency. Last evaluated: 2026-01-09. Review status: criteria provided, single submitter. Criteria: Natera Variant Classification Schema (03/2026). Collection method: clinical testing. Allele origin: germline.
Comment: The c.1194+1G>A variant in ACADM is a canonical splice donor site variant predicted to affect pre-mRNA splicing, which may result in an abnormal transcript and altered protein product. This variant is expected to result in nonsense mediated decay, truncation, or a dysfunctional protein product. This variant is rare in the general population with a frequency below the threshold expected for the associated phenotype(s). This variant has been observed in one or more individuals affected with the associated recessive disease, as either homozygous or compound heterozygous with a second variant (PMID: 22542437). Functional studies show that this variant may disrupt protein function (PMID: 22542437, 23810226). Given the available evidence, this variant is classified as Pathogenic.

Labcorp Genetics (formerly Invitae), Labcorp
Classification: Pathogenic for Medium-chain acyl-coenzyme A dehydrogenase deficiency. Last evaluated: 2025-10-14. Review status: criteria provided, single submitter. Criteria: Invitae Variant Classification Sherloc (09022015). Collection method: clinical testing. Allele origin: germline.
Comment: This sequence change affects a donor splice site in intron 11 of the ACADM gene. RNA analysis indicates that disruption of this splice site induces altered splicing and likely results in a shortened protein product. This variant is present in population databases (rs769331400, gnomAD 0.006%). Disruption of this splice site has been observed in individual(s) with medium-chain acyl-coenzyme A dehydrogenase deficiency (PMID: 22542437). ClinVar contains an entry for this variant (Variation ID: 555602). Variants that disrupt the consensus splice site are a relatively common cause of aberrant splicing (PMID: 17576681, 9536098). Studies have shown that disruption of this splice site results in skipping of exon 11, but is expected to preserve the integrity of the reading-frame (PMID: 22542437, 23810226). This variant disrupts a region of the ACADM protein in which other variant(s) (p.Leu409Hisfs*5) have been determined to be pathogenic (internal data). This suggests that this is a clinically significant region of the protein, and that variants that disrupt it are likely to be disease-causing. For these reasons, this variant has been classified as Pathogenic.

Fulgent Genetics
Classification: Pathogenic for Medium-chain acyl-coenzyme A dehydrogenase deficiency. Last evaluated: 2024-05-18. Review status: criteria provided, single submitter. Criteria: ACMG Guidelines, 2015. Collection method: clinical testing. Allele origin: germline.

GeneDx
Classification: Likely pathogenic. Last evaluated: 2023-09-11. Review status: criteria provided, single submitter. Criteria: GeneDx Variant Classification Process June 2021. Collection method: clinical testing. Allele origin: germline. Affected: yes.
Comment: Published functional studies found that this variant results in exon skipping (Andresen et al., 2012; Bruun et al., 2013); Not observed at significant frequency in large population cohorts (gnomAD); This variant is associated with the following publications: (PMID: 22542437, 23810226)

Women's Health and Genetics/Laboratory Corporation of America, LabCorp
Classification: Pathogenic for Medium-chain acyl-coenzyme A dehydrogenase deficiency. Last evaluated: 2018-05-21. Review status: criteria provided, single submitter. Criteria: LabCorp Variant Classification Summary - May 2015. Collection method: clinical testing. Allele origin: germline.
Comment: Variant summary: ACADM c.1194+1G>A is located in a canonical splice-site and is predicted to affect mRNA splicing resulting in a significantly altered protein due to either exon skipping, shortening, or inclusion of intronic material. Several computational tools predict a significant impact on normal splicing: Five predict the variant abolishes a 5' splicing donor site. At least one publication reports experimental evidence that this variant affects mRNA splicing (Andresen_2012 and Bruun_2013). The variant allele was found at a frequency of 8.2e-06 in 244600 control chromosomes. This frequency is not significantly higher than expected for a pathogenic variant in ACADM causing Medium Chain Acyl-CoA Dehydrogenase Deficiency (8.2e-06 vs 0.0054), allowing no conclusion about variant significance. c.1194+1G>A has been reported in the literature in individuals affected with Medium Chain Acyl-CoA Dehydrogenase Deficiency. These data indicate that the variant may be associated with disease. No clinical diagnostic laboratories have submitted clinical-significance assessments for this variant to ClinVar after 2014. Based on the evidence outlined above, the variant was classified as pathogenic.

Counsyl
Classification: Pathogenic for Medium-chain acyl-coenzyme A dehydrogenase deficiency. Last evaluated: 2017-12-14. Review status: no assertion criteria provided. Collection method: clinical testing. Allele origin: unknown. Not counted in ClinVar's aggregate classification.

Literature cited by the submitters: PubMed 22542437 (cited by 4 submitters); PubMed 23810226 (cited by 3 submitters); PubMed 17576681 (cited by Labcorp Genetics (formerly Invitae), Labcorp); PubMed 9536098 (cited by Labcorp Genetics (formerly Invitae), Labcorp).